The following is an entry in ClinVar:

ClinVar aggregate classification (germline): Likely pathogenic (1 of 4 stars; one submission).

Conditions:
Congenital absence of salivary gland (ALSG). Also called: Aplasia of lacrimal and salivary glands; Salivary glands, absence of. Identifiers: Orphanet 86815, MedGen C0158667, MONDO:0008397, OMIM 180920.
Lacrimoauriculodentodigital syndrome 3 (LADD3). Also called: LADD syndrome 3. Identifiers: MedGen C5774287, MONDO:0859578, OMIM 620193.

Submission:

Clinical Genomics Laboratory, Washington University in St. Louis
Classification: Likely pathogenic for Lacrimoauriculodentodigital syndrome 3; Congenital absence of salivary gland. Last evaluated: 2026-05-05. Review status: criteria provided, single submitter. Criteria: ACMG Guidelines, 2015. Collection method: clinical testing. Allele origin: germline. Affected: yes.
Comment: The FGF10 c.345del (p.Val116*) variant, to our knowledge, has not been reported in the medical literature. This variant is absent from the general population (gnomAD v2.1.1), indicating it is not a common variant. This variant leads to a premature termination codon, which is predicted to lead to nonsense mediated decay. Based on available information and the ACMG/AMP guidelines for variant interpretation (Richards S et al., PMID: 25741868), this variant is classified as likely pathogenic.

NM_004465.2(FGF10):c.345del (p.Ser115_Val116insTer)

Gene: FGF10 (fibroblast growth factor 10; minus strand). Cytogenetic location: 5p12.
Variant type: Deletion.
Coding change: c.345del on transcript NM_004465.2 (MANE Select); coding-DNA position 345, one base deleted (A; older notation c.345delA).
Protein change: p.Ser115_Val116insTer.
Molecular consequence: frameshift variant.
Genome position (GRCh38, 1-based): chr5:44,310,511, T deleted on the plus strand (A on the coding strand, the reverse complement: FGF10 is on the minus strand). VCF-style (leftmost placement, unchanged base first): chr5-44310510-CT-C. GRCh37 (hg19) VCF-style: chr5-44310612-CT-C.
Identifiers: ClinVar variation 4879294 (VCV004879294.1).